The following is an entry in ClinVar:

ClinVar aggregate classification (germline): Uncertain significance (1 of 4 stars; one submission).

Conditions:
Hereditary nonpolyposis colorectal neoplasms. Identifiers: MedGen C0009405, MeSH D003123.

Submission:

Labcorp Genetics (formerly Invitae), Labcorp
Classification: Uncertain significance for Hereditary nonpolyposis colorectal neoplasms. Last evaluated: 2025-09-14. Review status: criteria provided, single submitter. Criteria: Invitae Variant Classification Sherloc (09022015). Collection method: clinical testing. Allele origin: germline.
Comment: This sequence change replaces alanine, which is neutral and non-polar, with proline, which is neutral and non-polar, at codon 34 of the MSH6 protein (p.Ala34Pro). This variant is not present in population databases (gnomAD no frequency). This variant has not been reported in the literature in individuals affected with MSH6-related conditions. Invitae Evidence Modeling of protein sequence and biophysical properties (such as structural, functional, and spatial information, amino acid conservation, physicochemical variation, residue mobility, and thermodynamic stability) indicates that this missense variant is not expected to disrupt MSH6 protein function with a negative predictive value of 95%. In summary, the available evidence is currently insufficient to determine the role of this variant in disease. Therefore, it has been classified as a Variant of Uncertain Significance.

NM_000179.3(MSH6):c.100G>C (p.Ala34Pro)

Gene: MSH6 (mutS homolog 6; plus strand). Cytogenetic location: 2p16.3.
Variant type: single nucleotide variant.
Coding change: c.100G>C on transcript NM_000179.3 (MANE Select); coding-DNA position 100, G replaced by C.
Protein change: p.Ala34Pro; replaces alanine 34 with proline.
Molecular consequence: missense variant. On other transcripts: 5 prime UTR variant (7), synonymous variant (1), non-coding transcript variant (5), intron variant (5).
Genome position (GRCh38, 1-based): chr2:47,783,333, G>C. VCF-style: chr2-47783333-G-C. GRCh37 (hg19) VCF-style: chr2-48010472-G-C.
Other names: c.100G>C, p.Ala34Pro (NM_001281492.2, NM_001406795.1, NM_001406796.1 and 9 more transcripts); c.-637G>C (NM_001281493.2, NM_001406811.1); c.-229G>C (NM_001406799.1); c.45G>C, p.Val15= (NM_001406804.1); c.-829G>C (NM_001406807.1); c.-484G>C (NM_001406812.1); c.-895G>C (NM_001406814.1); c.-440G>C (NM_001406816.1); and 3 more; short protein forms A34P.
Identifiers: ClinVar variation 4800177 (VCV004800177.1).